The following is an entry in ClinVar:

ClinVar aggregate classification (germline): Uncertain significance. Review status: criteria provided, multiple submitters, no conflicts (2 of 4 stars). 2 submissions from 2 submitters: Uncertain significance (2). Last evaluated 2022-04-23.

Allele frequency attached by ClinVar (database versions not stated): ExAC 0.00001; gnomAD 0.00001; gnomAD exomes 0.00002.

Submissions (2):

Labcorp Genetics (formerly Invitae), Labcorp
Classification: Uncertain significance. Last evaluated: 2022-04-23. Review status: criteria provided, single submitter. Criteria: Invitae Variant Classification Sherloc (09022015). Collection method: clinical testing. Allele origin: germline.
Comment: In summary, the available evidence is currently insufficient to determine the role of this variant in disease. Therefore, it has been classified as a Variant of Uncertain Significance. Experimental studies and prediction algorithms are not available or were not evaluated, and the functional significance of this variant is currently unknown. This variant has not been reported in the literature in individuals affected with EXOSC2-related conditions. This variant is present in population databases (rs765822902, gnomAD 0.004%). This sequence change results in a frameshift in the EXOSC2 gene (p.Arg287Phefs*61). While this is not anticipated to result in nonsense mediated decay, it is expected to disrupt the last 7 amino acid(s) of the EXOSC2 protein and extend the protein by 53 additional amino acid residues.

Blueprint Genetics
Classification: Uncertain significance. Last evaluated: 2021-12-03. Review status: criteria provided, single submitter. Criteria: ACMG Guidelines, 2015. Collection method: clinical testing. Allele origin: germline.

NM_014285.7(EXOSC2):c.859_862del (p.Arg287fs)

Gene: EXOSC2 (exosome component 2; plus strand). Cytogenetic location: 9q34.12.
Variant type: Deletion.
Coding change: c.859_862del on transcript NM_014285.7 (MANE Select); coding-DNA positions 859 to 862, 4 bases deleted (AGGC; older notation c.859_862delAGGC).
Protein change: p.Arg287fs; shifts the reading frame from arginine 287.
Molecular consequence: frameshift variant. On other transcripts: non-coding transcript variant (1).
Genome position (GRCh38, 1-based): chr9:130,703,751-130,703,754, AGGC deleted. VCF-style (leftmost placement, unchanged base first): chr9-130703750-GAGGC-G. GRCh37 (hg19) VCF-style: chr9-133579137-GAGGC-G.
Other names: c.781_784del, p.Arg261fs (NM_001282708.1); c.769_772del, p.Arg257fs (NM_001282709.1); short protein forms R257fs, R287fs, R261fs.
Identifiers: ClinVar variation 2097002 (VCV002097002.5), dbSNP rs765822902, ClinGen allele CA5285010.